The following is an entry in ClinVar:

ClinVar aggregate classification (germline): Uncertain significance. Review status: criteria provided, multiple submitters, no conflicts (2 of 4 stars). 3 submissions from 3 submitters: Uncertain significance (2). 1 of the submissions does not count toward it. Last evaluated 2024-12-17.

Conditions:
Retinal dystrophy. Also called: Inherited retinal dystrophy. Identifiers: Orphanet 71862, MedGen C0854723, MeSH D058499, MONDO:0019118, HP:0000556.

Allele frequency attached by ClinVar (database versions not stated): gnomAD 0.00002; TOPMed 0.00002; ESP Exome Variant Server 0.00015.

Submissions (3):

Labcorp Genetics (formerly Invitae), Labcorp
Classification: Uncertain significance. Last evaluated: 2024-12-17. Review status: criteria provided, single submitter. Criteria: Invitae Variant Classification Sherloc (09022015). Collection method: clinical testing. Allele origin: germline.
Comment: This sequence change replaces alanine, which is neutral and non-polar, with valine, which is neutral and non-polar, at codon 960 of the SNRNP200 protein (p.Ala960Val). This variant is present in population databases (rs138686895, gnomAD 0.01%). This missense change has been observed in individuals with clinical features of autosomal dominant retinitis pigmentosa (PMID: 27208204; internal data). ClinVar contains an entry for this variant (Variation ID: 236419). Invitae Evidence Modeling of protein sequence and biophysical properties (such as structural, functional, and spatial information, amino acid conservation, physicochemical variation, residue mobility, and thermodynamic stability) has been performed for this missense variant. However, the output from this modeling did not meet the statistical confidence thresholds required to predict the impact of this variant on SNRNP200 protein function. In summary, the available evidence is currently insufficient to determine the role of this variant in disease. Therefore, it has been classified as a Variant of Uncertain Significance.

Blueprint Genetics
Classification: Uncertain significance. Last evaluated: 2024-08-02. Review status: criteria provided, single submitter. Criteria: ACMG Guidelines, 2015. Collection method: clinical testing. Allele origin: germline.

Centre for Genomic Medicine, Manchester, Central Manchester University Hospitals
Classification: Uncertain significance for Retinal dystrophy. Review status: no assertion criteria provided. Collection method: clinical testing. Allele origin: germline. Affected: yes. Not counted in ClinVar's aggregate classification.

Literature cited by the submitters: PubMed 27208204 (cited by Labcorp Genetics (formerly Invitae), Labcorp).

NM_014014.5(SNRNP200):c.2879C>T (p.Ala960Val)

Gene: SNRNP200 (small nuclear ribonucleoprotein U5 subunit 200; minus strand). Cytogenetic location: 2q11.2.
Variant type: single nucleotide variant.
Coding change: c.2879C>T on transcript NM_014014.5 (MANE Select); coding-DNA position 2879, C replaced by T.
Protein change: p.Ala960Val; replaces alanine 960 with valine.
Molecular consequence: missense variant.
Genome position (GRCh38, 1-based): chr2:96,289,860, G>A on the plus strand (C>T on the coding strand, the complement: SNRNP200 is on the minus strand). VCF-style: chr2-96289860-G-A. GRCh37 (hg19) VCF-style: chr2-96955598-G-A.
Other names: short protein forms A960V.
Identifiers: ClinVar variation 236419 (VCV000236419.11), dbSNP rs138686895, ClinGen allele CA1778604.
Genomic context (GRCh38, chr2:96,289,860, plus strand): 5'-TGGAAGTTGCCCGTCTTCTTGTCGTACTTGACCAGATTGTTCTTGTCCAGCATCAGGGCA[G>A]CTGTATGAACCAGATCTAGTCGGCGCTGGTCCAGCAGGGGATCTCCCTTGAGGTCATCAT-3'
Protein context (NP_054733.2, residues 950-970): DQRRLDLVHT[Ala960Val]ALMLDKNNLV